The following is an entry in ClinVar:

NM_000213.5(ITGB4):c.337G>A (p.Gly113Ser)

Gene: ITGB4 (integrin subunit beta 4; plus strand). Cytogenetic location: 17q25.1.
Variant type: single nucleotide variant.
Coding change: c.337G>A on transcript NM_000213.5 (MANE Select); coding-DNA position 337, G replaced by A.
Protein change: p.Gly113Ser; replaces glycine 113 with serine.
Molecular consequence: missense variant.
Genome position (GRCh38, 1-based): chr17:75,727,723, G>A. VCF-style: chr17-75727723-G-A. GRCh37 (hg19) VCF-style: chr17-73723804-G-A.
Other names: c.337G>A, p.Gly113Ser (NM_001005619.2, NM_001005731.3, NM_001321123.2); c.337G>A (NM_000213.3); short protein forms G113S.
Identifiers: ClinVar variation 3530600 (VCV003530600.2).
Genomic context (GRCh38, chr17:75,727,723, plus strand): 5'-GACACCACCCTGCGGCGCAGCCAGATGTCCCCCCAAGGCCTGCGGGTCCGTCTGCGGCCC[G>A]GTGAGGAGCGGCATTTTGAGCTGGAGGTGTTTGAGCCACTGGAGAGCCCCGTGGACCTGT-3'
Protein context (NP_000204.3, residues 103-123): PQGLRVRLRP[Gly113Ser]EERHFELEVF

ClinVar aggregate classification (germline): Uncertain significance. Review status: criteria provided, multiple submitters, no conflicts (2 of 4 stars). 2 submissions from 2 submitters: Uncertain significance (2). Last evaluated 2025-05-22.

Conditions:
Inborn genetic diseases. Identifiers: MedGen C0950123, MeSH D030342.

gnomAD v4.1: 18 of 1,613,538 alleles (0.0011%); highest among the groups gnomAD compares: Non-Finnish European, 0.0013%; no homozygotes.

Submissions (2):

GeneDx
Classification: Uncertain significance. Last evaluated: 2025-05-22. Review status: criteria provided, single submitter. Criteria: GeneDx Variant Classification Process June 2021. Collection method: clinical testing. Allele origin: germline. Affected: yes.
Comment: In silico analysis supports that this missense variant has a deleterious effect on protein structure/function; Has not been previously published as pathogenic or benign to our knowledge

Ambry Genetics
Classification: Uncertain significance for Inborn genetic diseases. Last evaluated: 2024-10-08. Review status: criteria provided, single submitter. Criteria: Ambry Variant Classification Scheme 2023. Collection method: clinical testing. Allele origin: germline.